The following is an entry in ClinVar:

NM_001369268.1(ACAN):c.2T>C (p.Met1Thr)

Gene: ACAN (aggrecan; plus strand). Cytogenetic location: 15q26.1.
Variant type: single nucleotide variant.
Coding change: c.2T>C on transcript NM_001369268.1 (MANE Select); coding-DNA position 2, T replaced by C.
Protein change: p.Met1Thr; changes the start codon (methionine 1).
Molecular consequence: missense variant, initiator codon variant.
Genome position (GRCh38, 1-based): chr15:88,836,208, T>C. VCF-style: chr15-88836208-T-C. GRCh37 (hg19) VCF-style: chr15-89379439-T-C.
Other names: c.2T>C, p.Met1Thr (NM_001135.4, NM_001411096.1, NM_001411097.1 and 1 more transcripts); short protein forms M1T.
Identifiers: ClinVar variation 3237342 (VCV003237342.1).

ClinVar aggregate classification (germline): Likely pathogenic (0 of 4 stars; one submission).

Conditions:
Short stature and advanced bone age, with or without early-onset osteoarthritis and/or osteochondritis dissecans (SSOAOD). Identifiers: Orphanet 251262, MedGen C3665488, MONDO:0100462, OMIM 165800.

Submission:

Autoinflammatory diseases unit, CHU de Montpellier
Classification: Likely pathogenic for Short stature and advanced bone age, with or without early-onset osteoarthritis and/or osteochondritis dissecans. Last evaluated: 2024-03-29. Review status: no assertion criteria provided. Collection method: clinical testing. Allele origin: inherited. Affected: yes.
Comment: Heterozygous PMID: 36387899